The following is an entry in ClinVar:

NM_139276.3(STAT3):c.849A>T (p.Lys283Asn)

Gene: STAT3 (signal transducer and activator of transcription 3; minus strand). Cytogenetic location: 17q21.2.
Variant type: single nucleotide variant.
Coding change: c.849A>T on transcript NM_139276.3 (MANE Select); coding-DNA position 849, A replaced by T.
Protein change: p.Lys283Asn; replaces lysine 283 with asparagine.
Molecular consequence: missense variant.
Genome position (GRCh38, 1-based): chr17:42,333,998, T>A on the plus strand (A>T on the coding strand, the complement: STAT3 is on the minus strand). VCF-style: chr17-42333998-T-A. GRCh37 (hg19) VCF-style: chr17-40486016-T-A.
Other names: c.849A>T, p.Lys283Asn (NM_001369512.1, NM_001369513.1, NM_001369514.1 and 15 more transcripts); c.771A>T, p.Lys257Asn (NM_001384985.1); c.753A>T, p.Lys251Asn (NM_001384989.1); short protein forms K251N, K283N, K257N.
Identifiers: ClinVar variation 2100410 (VCV002100410.4), dbSNP rs2509395483, ClinGen allele CA399591343.

ClinVar aggregate classification (germline): Uncertain significance (1 of 4 stars; one submission).

Conditions:
STAT3 gain of function. Identifiers: MedGen C4288261.
Hyper-IgE recurrent infection syndrome 1, autosomal dominant. Also called: JOB SYNDROME; Job's Syndrome; STAT3 Hyper IgE Syndrome; Hyper-IgE recurrent infection syndrome 1; HYPER-IgE SYNDROME 1, AUTOSOMAL DOMINANT, WITH RECURRENT INFECTIONS. Identifiers: Orphanet 2314, MedGen C2936739, MONDO:0007818, OMIM 147060.

Submission:

Labcorp Genetics (formerly Invitae), Labcorp
Classification: Uncertain significance for STAT3 gain of function; Hyper-IgE recurrent infection syndrome 1, autosomal dominant. Last evaluated: 2022-02-20. Review status: criteria provided, single submitter. Criteria: Invitae Variant Classification Sherloc (09022015). Collection method: clinical testing. Allele origin: germline.
Comment: In summary, the available evidence is currently insufficient to determine the role of this variant in disease. Therefore, it has been classified as a Variant of Uncertain Significance. Algorithms developed to predict the effect of missense changes on protein structure and function are either unavailable or do not agree on the potential impact of this missense change (SIFT: "Tolerated"; PolyPhen-2: "Probably Damaging"; Align-GVGD: "Class C0"). This variant has not been reported in the literature in individuals affected with STAT3-related conditions. This variant is not present in population databases (gnomAD no frequency). This sequence change replaces lysine, which is basic and polar, with asparagine, which is neutral and polar, at codon 283 of the STAT3 protein (p.Lys283Asn).